The following is an entry in ClinVar:

ClinVar aggregate classification (germline): Uncertain significance. Review status: criteria provided, multiple submitters, no conflicts (2 of 4 stars). 2 submissions from 2 submitters: Uncertain significance (2). Last evaluated 2022-02-04.

Conditions:
Hereditary cancer-predisposing syndrome. Also called: Neoplastic Syndromes, Hereditary; Tumor predisposition; Hereditary neoplastic syndrome; Hereditary Cancer Syndrome. Identifiers: Orphanet 140162, MedGen C0027672, MeSH D009386, MONDO:0015356.

Submissions (2):

Labcorp Genetics (formerly Invitae), Labcorp
Classification: Uncertain significance. Last evaluated: 2022-02-04. Review status: criteria provided, single submitter. Criteria: Invitae Variant Classification Sherloc (09022015). Collection method: clinical testing. Allele origin: germline.
Comment: In summary, the available evidence is currently insufficient to determine the role of this variant in disease. Therefore, it has been classified as a Variant of Uncertain Significance. Algorithms developed to predict the effect of missense changes on protein structure and function (SIFT, PolyPhen-2, Align-GVGD) all suggest that this variant is likely to be disruptive. ClinVar contains an entry for this variant (Variation ID: 827002). This variant has not been reported in the literature in individuals affected with HOXB13-related conditions. This variant is not present in population databases (gnomAD no frequency). This sequence change replaces arginine, which is basic and polar, with lysine, which is basic and polar, at codon 246 of the HOXB13 protein (p.Arg246Lys).

Ambry Genetics
Classification: Uncertain significance for Hereditary cancer-predisposing syndrome. Last evaluated: 2018-08-08. Review status: criteria provided, single submitter. Criteria: Ambry Variant Classification Scheme 2023. Collection method: clinical testing. Allele origin: germline.
Comment: The p.R246K variant (also known as c.737G>A), located in coding exon 2 of the HOXB13 gene, results from a G to A substitution at nucleotide position 737. The arginine at codon 246 is replaced by lysine, an amino acid with highly similar properties. This amino acid position is highly conserved in available vertebrate species. This variant was predicted to be deleterious and probably damaging by various in silico tools, including SIFT and PolyPhen (Chandrasekaran G et al. Chem Biol Drug Des. 2017 Aug;90:188-199). Since supporting evidence is limited at this time, the clinical significance of this alteration remains unclear.

Literature cited by the submitters: PubMed 28072499 (cited by Ambry Genetics).

NM_006361.6(HOXB13):c.737G>A (p.Arg246Lys)

Gene: HOXB13 (homeobox B13; minus strand). Cytogenetic location: 17q21.32.
Variant type: single nucleotide variant.
Coding change: c.737G>A on transcript NM_006361.6 (MANE Select); coding-DNA position 737, G replaced by A.
Protein change: p.Arg246Lys; replaces arginine 246 with lysine.
Molecular consequence: missense variant.
Genome position (GRCh38, 1-based): chr17:48,726,908, C>T on the plus strand (G>A on the coding strand, the complement: HOXB13 is on the minus strand). VCF-style: chr17-48726908-C-T. GRCh37 (hg19) VCF-style: chr17-46804270-C-T.
Other names: short protein forms R246K.
Identifiers: ClinVar variation 827002 (VCV000827002.9), dbSNP rs754598240, ClinGen allele CA291349075.
Genomic context (GRCh38, chr17:48,726,908, plus strand): 5'-TTCTGAAACCAGATGGTAATCTGGCGCTCCGAGAGGCTGGTGGCTGCCGAGATCTTGCGC[C>T]TCTTGTCCTTGGTGATGAACTTGTTAGCCGCATACTCCCGCTCCAGCTCCCGCAACTGCC-3'
Protein context (NP_006352.2, residues 236-256): AANKFITKDK[Arg246Lys]RKISAATSLS